The following is an entry in ClinVar:

ClinVar aggregate classification (germline): Likely pathogenic (1 of 4 stars; one submission).

Conditions:
Arthrogryposis, distal, type 1A. Also called: ARTHROGRYPOSIS MULTIPLEX CONGENITA, DISTAL, TYPE I. Identifiers: Orphanet 1146, MedGen C6022280, MONDO:0007157, OMIM 108120.

Submission:

Labcorp Genetics (formerly Invitae), Labcorp
Classification: Likely pathogenic for Arthrogryposis, distal, type 1A. Last evaluated: 2022-11-01. Review status: criteria provided, single submitter. Criteria: Invitae Variant Classification Sherloc (09022015). Collection method: clinical testing. Allele origin: germline.
Comment: In summary, the currently available evidence indicates that the variant is pathogenic, but additional data are needed to prove that conclusively. Therefore, this variant has been classified as Likely Pathogenic. Advanced modeling of protein sequence and biophysical properties (such as structural, functional, and spatial information, amino acid conservation, physicochemical variation, residue mobility, and thermodynamic stability) performed at Invitae indicates that this missense variant is not expected to disrupt TPM2 protein function. ClinVar contains an entry for this variant (Variation ID: 939822). This missense change has been observed in individual(s) with clinical features of TPM2-related conditions (PMID: 19047562, 22980765; Invitae). This variant is not present in population databases (gnomAD no frequency). This sequence change replaces asparagine, which is neutral and polar, with lysine, which is basic and polar, at codon 202 of the TPM2 protein (p.Asn202Lys).

Literature cited by the submitters: PubMed 19047562; PubMed 22980765.

NM_003289.4(TPM2):c.606C>A (p.Asn202Lys)

Gene: TPM2 (tropomyosin 2; minus strand). Cytogenetic location: 9p13.3.
Variant type: single nucleotide variant.
Coding change: c.606C>A on transcript NM_003289.4 (MANE Select); coding-DNA position 606, C replaced by A.
Protein change: p.Asn202Lys; replaces asparagine 202 with lysine.
Molecular consequence: missense variant. On other transcripts: intron variant (2).
Genome position (GRCh38, 1-based): chr9:35,684,765, G>T on the plus strand (C>A on the coding strand, the complement: TPM2 is on the minus strand). VCF-style: chr9-35684765-G-T. GRCh37 (hg19) VCF-style: chr9-35684762-G-T.
Other names: c.606C>A, p.Asn202Lys (NM_001301226.2); c.640-215C>A (NM_213674.1, NM_001301227.2); short protein forms N202K.
Identifiers: ClinVar variation 939822 (VCV000939822.9), dbSNP rs137853307, ClinGen allele CA373365352.
Genomic context (GRCh38, chr9:35,684,765, plus strand): 5'-CCTCACTGCCCCTCTGCTCCCCTCTACCTTGTCCGCCTGGGCCTCCAGGGATTTCAAGTT[G>T]TTGGTAACAATTTTCAGCTCCTCCTCTAGGTCCCCACATTTACTGCAGGGGGTGTGTGGC-3'
Protein context (NP_003280.2, residues 192-212): DLEEELKIVT[Asn202Lys]NLKSLEAQAD